The following is an entry in ClinVar:

NM_024312.5(GNPTAB):c.2849C>A (p.Ser950Ter)

Gene: GNPTAB (N-acetylglucosamine-1-phosphate transferase subunits alpha and beta; minus strand). Cytogenetic location: 12q23.2.
Variant type: single nucleotide variant.
Coding change: c.2849C>A on transcript NM_024312.5 (MANE Select); coding-DNA position 2849, C replaced by A.
Protein change: p.Ser950Ter; replaces serine 950 with a stop codon.
Molecular consequence: nonsense.
Genome position (GRCh38, 1-based): chr12:101,761,630, G>T on the plus strand (C>A on the coding strand, the complement: GNPTAB is on the minus strand). VCF-style: chr12-101761630-G-T. GRCh37 (hg19) VCF-style: chr12-102155408-G-T.
Other names: short protein forms S950*.
Identifiers: ClinVar variation 2066029 (VCV002066029.4), dbSNP rs1020172077, ClinGen allele CA386296216.

ClinVar aggregate classification (germline): Pathogenic (1 of 4 stars; one submission).

Conditions:
Pseudo-Hurler polydystrophy. Also called: MUCOLIPIDOSIS IIIA; ML III; ML III ALPHA/BETA; Type III Mucolipidosis; ML IIIA; Mucolipidosis III Alpha/Beta. Identifiers: Orphanet 423461, Orphanet 577, MedGen C0033788, MONDO:0018931, OMIM 252600.
Mucolipidosis type II. Also called: Mucolipidosis II Alpha/Beta; ML II ALPHA/BETA; Mucolipidosis 2; ML 2; Inclusion cell disease; Leroy Disease. Identifiers: Orphanet 576, MedGen C2673377, MONDO:0009650, OMIM 252500.

Submission:

Labcorp Genetics (formerly Invitae), Labcorp
Classification: Pathogenic for Pseudo-Hurler polydystrophy; Mucolipidosis type II. Last evaluated: 2021-12-29. Review status: criteria provided, single submitter. Criteria: Invitae Variant Classification Sherloc (09022015). Collection method: clinical testing. Allele origin: germline.
Comment: For these reasons, this variant has been classified as Pathogenic. This variant has not been reported in the literature in individuals affected with GNPTAB-related conditions. This variant is not present in population databases (gnomAD no frequency). This sequence change creates a premature translational stop signal (p.Ser950*) in the GNPTAB gene. It is expected to result in an absent or disrupted protein product. Loss-of-function variants in GNPTAB are known to be pathogenic (PMID: 19617216, 25107912).

Literature cited by the submitters: PubMed 19617216; PubMed 25107912.